The following is an entry in ClinVar:

ClinVar aggregate classification (germline): Pathogenic (1 of 4 stars; one submission).

Conditions:
X-linked central congenital hypothyroidism with late-onset testicular enlargement. Also called: Hypothyroidism, central, and testicular enlargement; HYPOTHYROIDISM, CENTRAL, WITH TESTICULAR ENLARGEMENT. Identifiers: Orphanet 329235, MedGen C3550963, MONDO:0010475, OMIM 300888.

Submission:

Victorian Clinical Genetics Services, Murdoch Childrens Research Institute
Classification: Pathogenic for X-linked central congenital hypothyroidism with late-onset testicular enlargement. Last evaluated: 2024-10-09. Review status: criteria provided, single submitter. Criteria: ACMG Guidelines, 2015. Collection method: clinical testing. Allele origin: germline. Inheritance: X-linked recessive inheritance.
Comment: Based on the classification scheme VCGS_Germline_v1.3.4, this variant is classified as Pathogenic. Following criteria are met: 0102 - Loss of function is a known mechanism of disease in this gene and is associated with central hypothyroidism and testicular enlargement (MIM#300888). (I) 0109 - This gene is associated with X-linked recessive disease. (I) 0115 - Variants in this gene are known to have variable expressivity. Intrafamilial variability has been observed (OMIM, PMID: 26840047). (I) 0202 - Variant is predicted to cause nonsense-mediated decay (NMD) and loss of protein (premature termination codon is located at least 54 nucleotides upstream of the final exon-exon junction), but is located in an exon that may undergo alternative splicing. (SP) 0253 - This variant is hemizygous. (I) 0304 - Variant is present in gnomAD v3 <0.01 for a recessive condition (1 heterozygote, 1 hemizygote). (SP) 0701 - Other null variants comparable to the one identified in this case have very strong previous evidence for pathogenicity. There are at least nine NMD-predicted variants that have been classified as likely pathogenic or pathogenic (DECIPHER). (SP) 0807 - This variant has no previous evidence of pathogenicity. (I) 0905 - No published segregation evidence has been identified for this variant. (I) 1007 - No published functional evidence has been identified for this variant. (I) 1208 - Inheritance information for this variant is not currently available in this individual. (I) Legend: (SP) - Supporting pathogenic, (I) - Information, (SB) - Supporting benign

Literature cited by the submitters: PubMed 26840047.

NM_001555.5(IGSF1):c.461_486del (p.Gly154fs)

Gene: IGSF1 (immunoglobulin superfamily member 1; minus strand). Cytogenetic location: Xq26.1.
Variant type: Deletion.
Coding change: c.461_486del on transcript NM_001555.5 (MANE Select); coding-DNA positions 461 to 486, 26 bases deleted (GCTGGCTGCAGGATTTGGTATTCATG).
Protein change: p.Gly154fs; shifts the reading frame from glycine 154.
Molecular consequence: frameshift variant.
Genome position (GRCh38, 1-based): chrX:131,285,360-131,285,385, CATGAATACCAAATCCTGCAGCCAGC deleted on the plus strand (GCTGGCTGCAGGATTTGGTATTCATG on the coding strand, the reverse complement: IGSF1 is on the minus strand); deleting any 26 consecutive bases within chrX:131,285,360-131,285,389 gives the same sequence; the c. name uses the placement nearest the transcript's 3' end. VCF-style (leftmost placement, unchanged base first): chrX-131285359-GCATGAATACCAAATCCTGCAGCCAGC-G. GRCh37 (hg19) VCF-style: chrX-130419333-GCATGAATACCAAATCCTGCAGCCAGC-G.
Other names: c.461_486del, p.Gly154fs (NM_001170961.2, NM_001170963.2, NM_205833.4); c.434_459del, p.Gly145fs (NM_001170962.2); short protein forms G145fs, G154fs.
Identifiers: ClinVar variation 3377347 (VCV003377347.1).